The following is an entry in ClinVar:

ClinVar aggregate classification (germline): Uncertain significance (1 of 4 stars; one submission).

Conditions:
Hepatic veno-occlusive disease-immunodeficiency syndrome. Also called: Hepatic Veno-Occlusive Disease with Immunodeficiency. Identifiers: Orphanet 79124, MedGen C1856128, MONDO:0009338, OMIM 235550. Disease mechanism: loss of function.

Allele frequency attached by ClinVar (database versions not stated): gnomAD 0.00001; TOPMed 0.00001; ExAC 0.00002.
gnomAD v4.1: 7 of 1,596,310 alleles (0.00044%); highest among the groups gnomAD compares: Non-Finnish European, 0.0006%; no homozygotes.

Submission:

Labcorp Genetics (formerly Invitae), Labcorp
Classification: Uncertain significance for Hepatic veno-occlusive disease-immunodeficiency syndrome. Last evaluated: 2020-11-25. Review status: criteria provided, single submitter. Criteria: Invitae Variant Classification Sherloc (09022015). Collection method: clinical testing. Allele origin: germline.
Comment: In summary, the available evidence is currently insufficient to determine the role of this variant in disease. Therefore, it has been classified as a Variant of Uncertain Significance. This sequence change replaces alanine with glycine at codon 224 of the SP110 protein (p.Ala224Gly). The alanine residue is weakly conserved and there is a small physicochemical difference between alanine and glycine. This variant is present in population databases (rs754038132, ExAC 0.004%). This variant has not been reported in the literature in individuals with SP110-related conditions. Algorithms developed to predict the effect of missense changes on protein structure and function (SIFT, PolyPhen-2, Align-GVGD) all suggest that this variant is likely to be tolerated, but these predictions have not been confirmed by published functional studies and their clinical significance is uncertain.

NM_080424.4(SP110):c.671C>G (p.Ala224Gly)

Genes: SP140 (SP140 nuclear body protein; plus strand), SP110 (SP110 nuclear body protein; minus strand). Cytogenetic location: 2q37.1.
Variant type: single nucleotide variant.
Coding change: c.671C>G on transcript NM_080424.4 (MANE Select); coding-DNA position 671, C replaced by G.
Protein change: p.Ala224Gly; replaces alanine 224 with glycine.
Molecular consequence: missense variant.
Genome position (GRCh38, 1-based): chr2:230,211,550, G>C on the plus strand (C>G on the coding strand, the complement: SP110 is on the minus strand). VCF-style: chr2-230211550-G-C. GRCh37 (hg19) VCF-style: chr2-231076265-G-C.
Other names: c.689C>G, p.Ala230Gly (NM_001185015.2, NM_001378442.1, NM_001378444.1 and 2 more transcripts); c.671C>G, p.Ala224Gly (NM_001378443.1, NM_001378447.1, NM_004509.5 and 1 more transcripts); short protein forms A224G, A230G.
Identifiers: ClinVar variation 1488439 (VCV001488439.7), dbSNP rs754038132, ClinGen allele CA2154760.